The following is an entry in ClinVar:

ClinVar aggregate classification (germline): Uncertain significance. Review status: criteria provided, multiple submitters, no conflicts (2 of 4 stars). 2 submissions from 2 submitters: Uncertain significance (2). Last evaluated 2025-01-17.

Conditions:
EP300-related disorder. Also called: EP300-related disorders; EP300-related condition.

Submissions (2):

PreventionGenetics, part of Exact Sciences
Classification: Uncertain significance for EP300-related condition. Last evaluated: 2025-01-17. Review status: criteria provided, single submitter. Criteria: ACMG Guidelines, 2015. Collection method: clinical testing. Allele origin: germline.
Comment: The EP300 c.64G>T variant is predicted to result in the amino acid substitution p.Ala22Ser. To our knowledge, this variant has not been reported in the literature or in a large population database (gnomAD), indicating this variant is rare. At this time, the clinical significance of this variant is uncertain due to the absence of conclusive functional and genetic evidence.

Blueprint Genetics
Classification: Uncertain significance. Last evaluated: 2020-12-30. Review status: criteria provided, single submitter. Criteria: ACMG Guidelines, 2015. Collection method: clinical testing. Allele origin: germline.

NM_001429.4(EP300):c.64G>T (p.Ala22Ser)

Genes: EP300 (EP300 lysine acetyltransferase; plus strand), LOC130067530 (ATAC-STARR-seq lymphoblastoid active region 19106; plus strand). Cytogenetic location: 22q13.2.
Variant type: single nucleotide variant.
Coding change: c.64G>T on transcript NM_001429.4 (MANE Select); coding-DNA position 64, G replaced by T.
Protein change: p.Ala22Ser; replaces alanine 22 with serine.
Molecular consequence: missense variant.
Genome position (GRCh38, 1-based): chr22:41,093,068, G>T. VCF-style: chr22-41093068-G-T. GRCh37 (hg19) VCF-style: chr22-41489072-G-T.
Other names: c.64G>T, p.Ala22Ser (NM_001362843.2); c.64G>T (NM_001429.3); short protein forms A22S.
Identifiers: ClinVar variation 4948019 (VCV004948019.2).